The following is an entry in ClinVar:

NM_001267550.2(TTN):c.49970G>A (p.Trp16657Ter)

Genes: TTN (titin; minus strand), TTN-AS1 (TTN antisense RNA 1; plus strand). Cytogenetic location: 2q31.2.
Variant type: single nucleotide variant.
Coding change: c.49970G>A on transcript NM_001267550.2 (MANE Select); coding-DNA position 49970, G replaced by A.
Protein change: p.Trp16657Ter; replaces tryptophan 16657 with a stop codon.
Molecular consequence: nonsense.
Genome position (GRCh38, 1-based): chr2:178,612,555, C>T on the plus strand (G>A on the coding strand, the complement: TTN is on the minus strand). VCF-style: chr2-178612555-C-T. GRCh37 (hg19) VCF-style: chr2-179477282-C-T.
Other names: c.45047G>A, p.Trp15016Ter (NM_001256850.1); c.22775G>A, p.Trp7592Ter (NM_003319.4); c.42266G>A, p.Trp14089Ter (NM_133378.4); c.23150G>A, p.Trp7717Ter (NM_133432.3); c.23351G>A, p.Trp7784Ter (NM_133437.4); short protein forms W14089*, W15016*, W16657*, W7592*, W7717*, W7784*.
Identifiers: ClinVar variation 1066116 (VCV001066116.11), dbSNP rs2154200456, ClinGen allele CA349600110.

ClinVar aggregate classification (germline): Likely pathogenic (1 of 4 stars; one submission).

Conditions:
Dilated cardiomyopathy 1G (CMD1G). Identifiers: Orphanet 154, MedGen C1858763, MONDO:0011400, OMIM 604145.
Autosomal recessive limb-girdle muscular dystrophy type 2J (LGMDR10). Also called: Limb-girdle muscular dystrophy, type 2J; MUSCULAR DYSTROPHY, LIMB-GIRDLE, AUTOSOMAL RECESSIVE 10. Identifiers: Orphanet 140922, MedGen C1837342, MONDO:0012127, OMIM 608807.

gnomAD v4.1: 1 of 1,611,008 alleles (0.000062%); highest among the groups gnomAD compares: Non-Finnish European, 0.000085%; no homozygotes.

Submission:

Labcorp Genetics (formerly Invitae), Labcorp
Classification: Likely pathogenic for Dilated cardiomyopathy 1G; Autosomal recessive limb-girdle muscular dystrophy type 2J. Last evaluated: 2025-06-02. Review status: criteria provided, single submitter. Criteria: Invitae Variant Classification Sherloc (09022015). Collection method: clinical testing. Allele origin: germline.
Comment: This sequence change creates a premature translational stop signal (p.Trp16657*) in the TTN gene. While this is not anticipated to result in nonsense mediated decay, it is expected to create a truncated TTN protein. This variant is not present in population databases (gnomAD no frequency). This variant has not been reported in the literature in individuals affected with TTN-related conditions. ClinVar contains an entry for this variant (Variation ID: 1066116). This variant is located in the A band of TTN (PMID: 25589632). Truncating variants in this region are significantly overrepresented in patients affected with dilated cardiomyopathy (PMID: 25589632). Truncating variants in this region have also been reported in individuals affected with autosomal recessive centronuclear myopathy (PMID: 23975875). In summary, the currently available evidence indicates that the variant is pathogenic, but additional data are needed to prove that conclusively. Therefore, this variant has been classified as Likely Pathogenic.

Literature cited by the submitters: PubMed 25589632; PubMed 23975875.